The following is an entry in ClinVar:

ClinVar aggregate classification (germline): Uncertain significance. Review status: criteria provided, multiple submitters, no conflicts (2 of 4 stars). 3 submissions from 3 submitters: Uncertain significance (3). Last evaluated 2024-11-14.

Conditions:
Inborn genetic diseases. Identifiers: MedGen C0950123, MeSH D030342.
Holocarboxylase synthetase deficiency. Also called: MULTIPLE CARBOXYLASE DEFICIENCY, EARLY ONSET. Identifiers: Orphanet 79242, MedGen C0268581, MONDO:0009666, OMIM 253270.

Allele frequency attached by ClinVar (database versions not stated): ExAC 0.00002; gnomAD 0.00003.
gnomAD v4.1: 20 of 1,613,954 alleles (0.0012%); highest among the groups gnomAD compares: African/African-American, 0.0067%; no homozygotes.

Submissions (3):

Ambry Genetics
Classification: Uncertain significance for Inborn genetic diseases. Last evaluated: 2024-11-14. Review status: criteria provided, single submitter. Criteria: Ambry Variant Classification Scheme 2023. Collection method: clinical testing. Allele origin: germline.

Labcorp Genetics (formerly Invitae), Labcorp
Classification: Uncertain significance for Holocarboxylase synthetase deficiency. Last evaluated: 2024-11-04. Review status: criteria provided, single submitter. Criteria: Invitae Variant Classification Sherloc (09022015). Collection method: clinical testing. Allele origin: germline.
Comment: This sequence change replaces arginine, which is basic and polar, with cysteine, which is neutral and slightly polar, at codon 480 of the HLCS protein (p.Arg480Cys). This variant is present in population databases (rs112518921, gnomAD 0.006%). This variant has not been reported in the literature in individuals affected with HLCS-related conditions. ClinVar contains an entry for this variant (Variation ID: 2143457). Invitae Evidence Modeling of protein sequence and biophysical properties (such as structural, functional, and spatial information, amino acid conservation, physicochemical variation, residue mobility, and thermodynamic stability) indicates that this missense variant is not expected to disrupt HLCS protein function with a negative predictive value of 95%. In summary, the available evidence is currently insufficient to determine the role of this variant in disease. Therefore, it has been classified as a Variant of Uncertain Significance.

Genomic Medicine Center of Excellence, King Faisal Specialist Hospital and Research Centre
Classification: Uncertain significance for Holocarboxylase synthetase deficiency. Last evaluated: 2024-03-29. Review status: criteria provided, single submitter. Criteria: ACMG Guidelines, 2015. Collection method: clinical testing. Allele origin: germline.

NM_001352514.2(HLCS):c.1879C>T (p.Arg627Cys)

Gene: HLCS (holocarboxylase synthetase; minus strand). Cytogenetic location: 21q22.13.
Variant type: single nucleotide variant.
Coding change: c.1879C>T on transcript NM_001352514.2 (MANE Select); coding-DNA position 1879, C replaced by T.
Protein change: p.Arg627Cys; replaces arginine 627 with cysteine.
Molecular consequence: missense variant. On other transcripts: non-coding transcript variant (2).
Genome position (GRCh38, 1-based): chr21:36,896,873, G>A on the plus strand (C>T on the coding strand, the complement: HLCS is on the minus strand). VCF-style: chr21-36896873-G-A. GRCh37 (hg19) VCF-style: chr21-38269173-G-A.
Other names: c.1438C>T (NM_000411.6); c.1438C>T, p.Arg480Cys (NM_000411.8, NM_001242784.3, NM_001242785.2 and 4 more transcripts); short protein forms R480C, R627C.
Identifiers: ClinVar variation 2143457 (VCV002143457.4), dbSNP rs112518921, ClinGen allele CA10020448.
Genomic context (GRCh38, chr21:36,896,873, plus strand): 5'-ATGGAACAGGACTCCTCTGAGCAGATGCAGACCTGCTCACACCTTACCCATCCAGGAGAC[G>A]CATCGTTGTGGGGGTCACTTCGGCAAACAAAATTACTTTCCCCAACTGCTTGGTCTGCAG-3'
Protein context (NP_001339443.1, residues 617-637): LFAEVTPTTM[Arg627Cys]LLDGLMFQTP